The following is an entry in ClinVar:

NM_012471.3(TRPC5):c.709T>C (p.Phe237Leu)

Gene: TRPC5 (transient receptor potential cation channel subfamily C member 5; minus strand). Cytogenetic location: Xq23.
Variant type: single nucleotide variant.
Coding change: c.709T>C on transcript NM_012471.3 (MANE Select); coding-DNA position 709, T replaced by C.
Protein change: p.Phe237Leu; replaces phenylalanine 237 with leucine.
Molecular consequence: missense variant.
Genome position (GRCh38, 1-based): chrX:111,912,482, A>G on the plus strand (T>C on the coding strand, the complement: TRPC5 is on the minus strand). VCF-style: chrX-111912482-A-G. GRCh37 (hg19) VCF-style: chrX-111155710-A-G.
Other names: short protein forms F237L.
Identifiers: ClinVar variation 3347961 (VCV003347961.2).

ClinVar aggregate classification (germline): Uncertain significance. Review status: criteria provided, single submitter (1 of 4 stars). 2 submissions from 2 submitters: Uncertain significance (1). 1 of the submissions does not count toward it. Last evaluated 2025-11-20.

Conditions:
TRPC5-related disorder. Also called: TRPC5-related condition.

gnomAD v4.1: 1 of 1,210,617 alleles (0.000083%); highest among the groups gnomAD compares: Non-Finnish European, 0.00011%; no homozygotes.

Submissions (2):

Ambry Genetics
Classification: Uncertain significance. Last evaluated: 2025-11-20. Review status: criteria provided, single submitter. Criteria: Ambry Variant Classification Scheme 2023. Collection method: clinical testing. Allele origin: germline.

PreventionGenetics, part of Exact Sciences
Classification: Uncertain significance for TRPC5-related condition. Last evaluated: 2023-11-30. Review status: no assertion criteria provided. Collection method: clinical testing. Allele origin: germline. Not counted in ClinVar's aggregate classification.
Comment: The TRPC5 c.709T>C variant is predicted to result in the amino acid substitution p.Phe237Leu. To our knowledge, this variant has not been reported in the literature or in a large population database, indicating this variant is rare. At this time, the clinical significance of this variant is uncertain due to the absence of conclusive functional and genetic evidence.